The following is an entry in ClinVar:

NM_025137.4(SPG11):c.4505C>T (p.Ala1502Val)

Gene: SPG11 (SPG11 vesicle trafficking associated, spatacsin; minus strand). Cytogenetic location: 15q21.1.
Variant type: single nucleotide variant.
Coding change: c.4505C>T on transcript NM_025137.4 (MANE Select); coding-DNA position 4505, C replaced by T.
Protein change: p.Ala1502Val; replaces alanine 1502 with valine.
Molecular consequence: missense variant.
Genome position (GRCh38, 1-based): chr15:44,595,389, G>A on the plus strand (C>T on the coding strand, the complement: SPG11 is on the minus strand). VCF-style: chr15-44595389-G-A. GRCh37 (hg19) VCF-style: chr15-44887587-G-A.
Other names: c.4505C>T, p.Ala1502Val (NM_001160227.2, NM_001411132.1); c.4505C>T (NM_025137.3); short protein forms A1502V.
Identifiers: ClinVar variation 3625124 (VCV003625124.3).
Genomic context (GRCh38, chr15:44,595,389, plus strand): 5'-ACTGAAAGATCCTCAAGGTTCCAGGTATGGTCCTCTGTTGAGTCCTGAATGTGTCCCATT[G>A]CTTCAGTTGCAACATTGTCCTCCACAGAAGTGATGATCCAAACACAGAGACAAGAAATGG-3'
Protein context (NP_079413.3, residues 1492-1512): TSVEDNVATE[Ala1502Val]MGHIQDSTED

ClinVar aggregate classification (germline): Uncertain significance. Review status: criteria provided, multiple submitters, no conflicts (2 of 4 stars). 2 submissions from 2 submitters: Uncertain significance (2). Last evaluated 2026-07-23.

Conditions:
Hereditary spastic paraplegia 11. Also called: Nakamura Osame syndrome; Autosomal recessive hereditary spastic paraplegia, mental impairment, and thin corpus callosum; Spastic paraplegia, mental retardation and thin corpus callosum; SPASTIC PARAPLEGIA, AUTOSOMAL RECESSIVE, COMPLICATED, WITH THIN CORPUS CALLOSUM; SPASTIC PARAPLEGIA, AUTOSOMAL RECESSIVE, WITH MENTAL IMPAIRMENT AND THIN CORPUS CALLOSUM; Spastic Paraplegia 11. Identifiers: Orphanet 2822, MedGen C1858479, MONDO:0011445, OMIM 604360.
Inborn genetic diseases. Identifiers: MedGen C0950123, MeSH D030342.

gnomAD v4.1: 2 of 1,614,066 alleles (0.00012%); highest among the groups gnomAD compares: Non-Finnish European, 0.00017%; no homozygotes.

Submissions (2):

Ambry Genetics
Classification: Uncertain significance for Inborn genetic diseases. Last evaluated: 2026-07-23. Review status: criteria provided, single submitter. Criteria: Ambry Variant Classification Scheme 2023. Collection method: clinical testing. Allele origin: germline.

Labcorp Genetics (formerly Invitae), Labcorp
Classification: Uncertain significance for Hereditary spastic paraplegia 11. Last evaluated: 2024-10-12. Review status: criteria provided, single submitter. Criteria: Invitae Variant Classification Sherloc (09022015). Collection method: clinical testing. Allele origin: germline.
Comment: This sequence change replaces alanine, which is neutral and non-polar, with valine, which is neutral and non-polar, at codon 1502 of the SPG11 protein (p.Ala1502Val). This variant is not present in population databases (gnomAD no frequency). This variant has not been reported in the literature in individuals affected with SPG11-related conditions. Invitae Evidence Modeling of protein sequence and biophysical properties (such as structural, functional, and spatial information, amino acid conservation, physicochemical variation, residue mobility, and thermodynamic stability) indicates that this missense variant is not expected to disrupt SPG11 protein function with a negative predictive value of 80%. In summary, the available evidence is currently insufficient to determine the role of this variant in disease. Therefore, it has been classified as a Variant of Uncertain Significance.